The following is an entry in ClinVar:

ClinVar aggregate classification (germline): Likely pathogenic (1 of 4 stars; one submission).

Conditions:
Autosomal dominant nocturnal frontal lobe epilepsy 5. Also called: KCNT1-Related Epilepsy; Epilepsy, nocturnal frontal lobe, 5; CILIARY DYSKINESIA, PRIMARY, 28, WITHOUT SITUS INVERSUS; CILIARY DYSKINESIA, PRIMARY, 28, WITH SITUS INVERSUS. Identifiers: Orphanet 98784, MedGen C3554306, MONDO:0014002, OMIM 615005.
Developmental and epileptic encephalopathy, 14 (DEE14). Also called: Early infantile epileptic encephalopathy 14. Identifiers: Orphanet 293181, MedGen C3554195, MONDO:0013989, OMIM 614959.

Submission:

Labcorp Genetics (formerly Invitae), Labcorp
Classification: Likely pathogenic for Autosomal dominant nocturnal frontal lobe epilepsy 5; Developmental and epileptic encephalopathy, 14. Last evaluated: 2022-02-24. Review status: criteria provided, single submitter. Criteria: Invitae Variant Classification Sherloc (09022015). Collection method: clinical testing. Allele origin: germline.
Comment: This variant has not been reported in the literature in individuals affected with KCNT1-related conditions. This variant is not present in population databases (gnomAD no frequency). This sequence change replaces leucine, which is neutral and non-polar, with isoleucine, which is neutral and non-polar, at codon 437 of the KCNT1 protein (p.Leu437Ile). Advanced modeling of protein sequence and biophysical properties (such as structural, functional, and spatial information, amino acid conservation, physicochemical variation, residue mobility, and thermodynamic stability) performed at Invitae indicates that this missense variant is expected to disrupt KCNT1 protein function. In summary, the currently available evidence indicates that the variant is pathogenic, but additional data are needed to prove that conclusively. Therefore, this variant has been classified as Likely Pathogenic. This variant disrupts the p.Leu437 amino acid residue in KCNT1. Other variant(s) that disrupt this residue have been determined to be pathogenic (PMID: 31560846, 31872048). This suggests that this residue is clinically significant, and that variants that disrupt this residue are likely to be disease-causing.

Literature cited by the submitters: PubMed 31560846; PubMed 31872048.

NM_020822.3(KCNT1):c.1309C>A (p.Leu437Ile)

Gene: KCNT1 (potassium sodium-activated channel subfamily T member 1; plus strand). Cytogenetic location: 9q34.3.
Variant type: single nucleotide variant.
Coding change: c.1309C>A on transcript NM_020822.3 (MANE Select); coding-DNA position 1309, C replaced by A.
Protein change: p.Leu437Ile; replaces leucine 437 with isoleucine.
Molecular consequence: missense variant.
Genome position (GRCh38, 1-based): chr9:135,765,732, C>A. VCF-style: chr9-135765732-C-A. GRCh37 (hg19) VCF-style: chr9-138657578-C-A.
Other names: c.1174C>A, p.Leu392Ile (NM_001272003.2); short protein forms L437I, L392I.
Identifiers: ClinVar variation 1503439 (VCV001503439.8), dbSNP rs1057518066, ClinGen allele CA375501710.